The following is an entry in ClinVar:

NM_172351.3(CD46):c.857-1G>A

Gene: CD46 (CD46 molecule; plus strand). Cytogenetic location: 1q32.2.
Variant type: single nucleotide variant.
Coding change: c.857-1G>A on transcript NM_172351.3 (MANE Select); the canonical splice acceptor site of the intron before coding-DNA position 857, G replaced by A.
Molecular consequence: splice acceptor variant. On other transcripts: intron variant (5).
Genome position (GRCh38, 1-based): chr1:207,767,778, G>A. VCF-style: chr1-207767778-G-A. GRCh37 (hg19) VCF-style: chr1-207941123-G-A.
Other names: c.902-1G>A (NM_002389.4, NM_172359.3); c.857-1G>A (NM_153826.4, NM_172358.3, NM_172355.3 and 1 more transcripts); c.856+583G>A (NM_172352.3, NM_172353.3, NM_172350.3 and 2 more transcripts).
Identifiers: ClinVar variation 2584519 (VCV002584519.4), dbSNP rs373127045, ClinGen allele CA1371791.
Genomic context (GRCh38, chr1:207,767,778, plus strand): 5'-AAATTGCCAGCAATAACTCCCAAGTGTTTGGTCCAATCTACATTATTATTTTGTTTTCCA[G>A]TGTCGACTTCTTCCACTACAAAATCTCCAGCGTCCAGTGCCTCAGGTTTAGTAATTTCCT-3'

ClinVar aggregate classification (germline): Conflicting classifications of pathogenicity. Review status: criteria provided, conflicting classifications (1 of 4 stars). 4 submissions from 4 submitters: Likely pathogenic (3); Uncertain significance (1). Last evaluated 2026-02-05.

Conditions:
Atypical hemolytic-uremic syndrome with MCP/CD46 anomaly. Also called: HEMOLYTIC UREMIC SYNDROME, ATYPICAL, SUSCEPTIBILITY TO, 2; AHUS, SUSCEPTIBILITY TO, 2. Identifiers: Orphanet 2134, MedGen C2752040, MONDO:0013040, OMIM 612922.

Allele frequency attached by ClinVar (database versions not stated): ExAC 0.00001; gnomAD 0.00004; TOPMed 0.00006; ESP Exome Variant Server 0.00008.
gnomAD v4.1: 14 of 1,612,598 alleles (0.00087%); highest among the groups gnomAD compares: African/African-American, 0.012%; no homozygotes.

Submissions (4):

Women's Health and Genetics/Laboratory Corporation of America, LabCorp
Classification: Likely pathogenic for Atypical hemolytic-uremic syndrome with MCP/CD46 anomaly. Last evaluated: 2026-02-05. Review status: criteria provided, single submitter. Criteria: LabCorp Variant Classification Summary - May 2015. Collection method: clinical testing. Allele origin: germline.
Comment: Variant summary: CD46 c.902-1G>A is located in a canonical splice-site and is predicted to affect mRNA splicing resulting in a significantly altered protein due to either exon skipping, shortening, or inclusion of intronic material. Variants that disrupt the consensus splice site are a relatively common cause of aberrant splicing and loss of CD46 function. Several computational tools predict a significant impact on normal splicing: Four predict the variant abolishes a 3' acceptor site. One predicts the variant no significant impact on splicing. However, these predictions have yet to be confirmed by functional studies. The variant allele was found at a frequency of 2.4e-05 in 251346 control chromosomes. To our knowledge, no occurrence of c.902-1G>A in individuals affected with CD46-related conditions and no experimental evidence demonstrating its impact on protein function have been reported. A different splice acceptor loss (c.902-2A>G) was reported in 2 siblings with autosomal recessive aHUS (PMID: 16762990) however data were insufficient for fully Pathogenic classification based on current guidance. ClinVar contains an entry for this variant (Variation ID: 2584519). Based on the evidence outlined above, the variant was classified as likely pathogenic.

Labcorp Genetics (formerly Invitae), Labcorp
Classification: Likely pathogenic. Last evaluated: 2025-04-22. Review status: criteria provided, single submitter. Criteria: Invitae Variant Classification Sherloc (09022015). Collection method: clinical testing. Allele origin: germline.
Comment: This sequence change affects an acceptor splice site in intron 7 of the CD46 gene. It is expected to disrupt RNA splicing. Variants that disrupt the donor or acceptor splice site typically lead to a loss of protein function (PMID: 16199547), and loss-of-function variants in CD46 are known to be pathogenic (PMID: 16621965, 23431077). This variant is present in population databases (rs373127045, gnomAD 0.02%). This variant has not been reported in the literature in individuals affected with CD46-related conditions. ClinVar contains an entry for this variant (Variation ID: 2584519). Algorithms developed to predict the effect of sequence changes on RNA splicing suggest that this variant may disrupt the consensus splice site. In summary, the currently available evidence indicates that the variant is pathogenic, but additional data are needed to prove that conclusively. Therefore, this variant has been classified as Likely Pathogenic.

Blueprint Genetics
Classification: Uncertain significance. Last evaluated: 2024-11-14. Review status: criteria provided, single submitter. Criteria: ACMG Guidelines, 2015. Collection method: clinical testing. Allele origin: germline.

Rady Children's Institute for Genomic Medicine, Rady Children's Hospital San Diego
Classification: Likely pathogenic for HEMOLYTIC UREMIC SYNDROME, ATYPICAL, SUSCEPTIBILITY TO, 2. Review status: criteria provided, single submitter. Criteria: ACMG Guidelines, 2015. Collection method: clinical testing. Allele origin: germline. Affected: yes.
Comment: This variant affects the canonical splice acceptor site of intron 7 and is therefore predicted to interfere with splicing and result in loss of normal protein function through either protein truncation or nonsense-mediated mRNA decay (NMD). This variant has not been previously reported or functionally characterized in the literature to our knowledge. A nearby splice site variant (c.902-2A>G) has been reported in individuals with atypical hemolytic uremic syndrome (PMID: 25525159, 17089378, 16762990). Loss-of-function variation in CD46 is an established mechanism of disease (PMID: 20301541). The c.902-1G>A variant is present in the heterozygous state in the gnomAD population database at a frequency of 0.002% (7/282734) and thus is presumed to be rare. Based on the available evidence, the c.902-1G>A variant is classified as Likely Pathogenic.

Literature cited by the submitters: PubMed 16199547 (cited by Labcorp Genetics (formerly Invitae), Labcorp); PubMed 16621965 (cited by Labcorp Genetics (formerly Invitae), Labcorp); PubMed 23431077 (cited by Labcorp Genetics (formerly Invitae), Labcorp).